The following is an entry in ClinVar:

ClinVar aggregate classification (germline): Likely benign. Review status: criteria provided, multiple submitters, no conflicts (2 of 4 stars). 4 submissions from 4 submitters: Likely benign (3). 1 of the submissions does not count toward it. Last evaluated 2025-10-21.

Conditions:
Rienhoff syndrome. Also called: LOEYS-DIETZ SYNDROME 5. Identifiers: MedGen C3810012, MONDO:0014262, OMIM 615582.
TGFB3-related disorder. Also called: TGFB3-related condition.
Familial thoracic aortic aneurysm and aortic dissection (TAAD). Also called: Thoracic aortic aneurysms and dissections. Identifiers: Orphanet 91387, MedGen C4707243, MONDO:0019625.

Allele frequency attached by ClinVar (database versions not stated): gnomAD exomes below 0.00001 and 0.00002; ExAC 0.00001; TOPMed 0.00003; gnomAD 0.00004; ESP Exome Variant Server 0.00008.
gnomAD v4.1: 12 of 1,607,972 alleles (0.00075%); highest among the groups gnomAD compares: African/African-American, 0.011%; no homozygotes.

Submissions (4):

Labcorp Genetics (formerly Invitae), Labcorp
Classification: Likely benign for Rienhoff syndrome. Last evaluated: 2025-10-21. Review status: criteria provided, single submitter. Criteria: Invitae Variant Classification Sherloc (09022015). Collection method: clinical testing. Allele origin: germline.

Ambry Genetics
Classification: Likely benign for Familial thoracic aortic aneurysm and aortic dissection. Last evaluated: 2024-10-27. Review status: criteria provided, single submitter. Criteria: Ambry Variant Classification Scheme 2023. Collection method: clinical testing. Allele origin: germline.

GeneDx
Classification: Likely benign. Last evaluated: 2019-03-26. Review status: criteria provided, single submitter. Criteria: GeneDx Variant Classification Process June 2021. Collection method: clinical testing. Allele origin: germline. Affected: yes.

PreventionGenetics, part of Exact Sciences
Classification: Likely benign for TGFB3-related condition. Last evaluated: 2022-08-26. Review status: no assertion criteria provided. Collection method: clinical testing. Allele origin: germline. Not counted in ClinVar's aggregate classification.
Comment: This variant is classified as likely benign based on ACMG/AMP sequence variant interpretation guidelines (Richards et al. 2015 PMID: 25741868, with internal and published modifications).

NM_003239.5(TGFB3):c.792G>A (p.Leu264=)

Gene: TGFB3 (transforming growth factor beta 3; minus strand). Cytogenetic location: 14q24.3.
Variant type: single nucleotide variant.
Coding change: c.792G>A on transcript NM_003239.5 (MANE Select); coding-DNA position 792, G replaced by A.
Protein change: p.Leu264=; no amino-acid change (leucine 264 retained).
Molecular consequence: synonymous variant.
Genome position (GRCh38, 1-based): chr14:75,963,450, C>T on the plus strand (G>A on the coding strand, the complement: TGFB3 is on the minus strand). VCF-style: chr14-75963450-C-T. GRCh37 (hg19) VCF-style: chr14-76429793-C-T.
Other names: c.792G>A (NM_003239.4); c.792G>A, p.Leu264= (NM_001329938.2, NM_001329939.2).
Identifiers: ClinVar variation 1215874 (VCV001215874.8), dbSNP rs375034484, ClinGen allele CA7280336.